The following is an entry in ClinVar:

ClinVar aggregate classification (germline): Conflicting classifications of pathogenicity. Review status: criteria provided, conflicting classifications (1 of 4 stars). 7 submissions from 7 submitters: Uncertain significance (5); Likely benign (2). Last evaluated 2026-06-01.

Conditions:
MSH3-related disorder. Also called: MSH3-related condition.
Hereditary cancer-predisposing syndrome. Also called: Tumor predisposition; Hereditary neoplastic syndrome; Hereditary Cancer Syndrome; Neoplastic Syndromes, Hereditary. Identifiers: Orphanet 140162, MedGen C0027672, MeSH D009386, MONDO:0015356.

Allele frequency attached by ClinVar (database versions not stated): ExAC 0.00001; gnomAD exomes 0.00002; gnomAD 0.00015 and 0.00016; TOPMed 0.00017.
gnomAD v4.1: 55 of 1,613,794 alleles (0.0034%); highest among the groups gnomAD compares: African/African-American, 0.061%; 1 homozygote.

Submissions (8):

PreventionGenetics, part of Exact Sciences
Classification: Uncertain significance for MSH3-related condition. Last evaluated: 2026-06-01. Review status: criteria provided, single submitter. Criteria: ACMG Guidelines, 2015. Collection method: clinical testing. Allele origin: germline.
Comment: The MSH3 c.3174A>G variant is not predicted to result in an amino acid change (p.=). This variant is predicted to alter splicing based on available splicing prediction programs (SpliceAI, Jaganathan et al. 2019. PubMed ID: 30661751). However, the use of computer prediction programs is not equivalent to functional evidence. To our knowledge, this variant has not been reported in the literature. This variant is reported in 0.032% of alleles in individuals of African descent in gnomAD and has conflicting interpretations in ClinVar, ranging from likely benign to uncertain significance (Variation ID: 658815). At this time, the clinical significance of this variant is uncertain due to the absence of conclusive functional and genetic evidence.

Labcorp Genetics (formerly Invitae), Labcorp
Classification: Likely benign. Last evaluated: 2026-01-18. Review status: criteria provided, single submitter. Criteria: Invitae Variant Classification Sherloc (09022015). Collection method: clinical testing. Allele origin: germline.

GeneDx
Classification: Uncertain significance. Last evaluated: 2025-05-16. Review status: criteria provided, single submitter. Criteria: GeneDx Variant Classification Process June 2021. Collection method: clinical testing. Allele origin: germline. Affected: yes.
Comment: In silico analysis supports a deleterious effect on splicing; Has not been previously published as pathogenic or benign to our knowledge

Quest Diagnostics Nichols Institute San Juan Capistrano
Classification: Uncertain significance. Last evaluated: 2025-05-06. Review status: criteria provided, single submitter. Criteria: Quest Diagnostics criteria. Collection method: clinical testing. Allele origin: unknown.
Comment: The MSH3 c.3174A>G (p.Gln1058=) synonymous variant has not been reported in individuals with MSH3-related conditions in the published literature. The frequency of this variant in the general population (Genome Aggregation Database) is uninformative in the assessment of its pathogenicity. Analysis of this variant using software algorithms for the prediction of the effect of nucleotide changes on MSH3 mRNA splicing yielded predictions that this variant may result in the gain of a cryptic splice site without affecting the natural splice sites. Based on the available information, we are unable to determine the clinical significance of this variant.

Genetic Services Laboratory, University of Chicago
Classification: Uncertain significance. Last evaluated: 2021-11-23. Review status: criteria provided, single submitter. Criteria: ACMG Guidelines, 2015. Collection method: clinical testing. Allele origin: germline. Affected: no.

Sema4
Classification: Uncertain significance for Hereditary cancer-predisposing syndrome. Last evaluated: 2021-07-27. Review status: criteria provided, single submitter. Criteria: Sema4 Curation Guidelines. Collection method: curation. Allele origin: germline.
Comment: The MSH3 c.3174A>G (p.Q1058=) variant has not been reported in the literature to our knowledge. It was observed in 8/24968 chromosomes of the African/African American subpopulation in the large and broad cohorts of the Genome Aggregation Database (PMID: 32461654). The variant has been reported in ClinVar (Variation ID 658815). In silico tools suggest that the variant may affect splicing, though these predictions have not been confirmed by functional studies. The evidence is insufficient to meet ACMG/AMP criteria for classifying the variant as benign or pathogenic. Thus, the clinical significance of this variant is currently uncertain.

Ambry Genetics
Classification: Likely benign for Hereditary cancer-predisposing syndrome. Last evaluated: 2019-10-09. Review status: criteria provided, single submitter. Criteria: Ambry Variant Classification Scheme 2023. Collection method: clinical testing. Allele origin: germline.

Dr. Peter K. Rogan Lab, Western University
No classification provided (evidence only). Condition: Hepatocellular carcinoma. Review status: no classification provided. Collection method: in vitro. Allele origin: not applicable. Functional consequence: retained intron. Not counted in ClinVar's aggregate classification.

NM_002439.5(MSH3):c.3174A>G (p.Gln1058=)

Gene: MSH3 (mutS homolog 3; plus strand). Cytogenetic location: 5q14.1.
Variant type: single nucleotide variant.
Coding change: c.3174A>G on transcript NM_002439.5 (MANE Select); coding-DNA position 3174, A replaced by G.
Protein change: p.Gln1058=; no amino-acid change (glutamine 1058 retained).
Molecular consequence: synonymous variant.
Genome position (GRCh38, 1-based): chr5:80,873,159, A>G. VCF-style: chr5-80873159-A-G. GRCh37 (hg19) VCF-style: chr5-80168978-A-G.
Other names: c.3174A>G (NM_002439.3).
Identifiers: ClinVar variation 658815 (VCV000658815.19), dbSNP rs758314489, ClinGen allele CA3328475.